The following is an entry in ClinVar:

ClinVar aggregate classification (germline): Uncertain significance (1 of 4 stars; one submission).

Conditions:
Zellweger spectrum disorders (ZS). Also called: Zellweger Spectrum Disorder (ZSD); Zellweger syndrome; Zellweger Spectrum Disorder; Zellweger Spectrum. Identifiers: Orphanet 912, MedGen C0043459, MONDO:0019609.

Submission:

Labcorp Genetics (formerly Invitae), Labcorp
Classification: Uncertain significance for Zellweger spectrum disorders. Last evaluated: 2019-09-10. Review status: criteria provided, single submitter. Criteria: Invitae Variant Classification Sherloc (09022015). Collection method: clinical testing. Allele origin: germline.
Comment: In summary, the available evidence is currently insufficient to determine the role of this variant in disease. Therefore, it has been classified as a Variant of Uncertain Significance. Algorithms developed to predict the effect of missense changes on protein structure and function are either unavailable or do not agree on the potential impact of this missense change (SIFT: "Tolerated"; PolyPhen-2: "Probably Damaging"; Align-GVGD: "Class C0"). This variant has not been reported in the literature in individuals with PEX1-related conditions. This variant is not present in population databases (ExAC no frequency). This sequence change replaces arginine with proline at codon 182 of the PEX1 protein (p.Arg182Pro). The arginine residue is moderately conserved and there is a moderate physicochemical difference between arginine and proline.

NM_000466.3(PEX1):c.545G>C (p.Arg182Pro)

Gene: PEX1 (peroxisomal biogenesis factor 1; minus strand). Cytogenetic location: 7q21.2.
Variant type: single nucleotide variant.
Coding change: c.545G>C on transcript NM_000466.3 (MANE Select); coding-DNA position 545, G replaced by C.
Protein change: p.Arg182Pro; replaces arginine 182 with proline.
Molecular consequence: missense variant. On other transcripts: 5 prime UTR variant (1).
Genome position (GRCh38, 1-based): chr7:92,517,970, C>G on the plus strand (G>C on the coding strand, the complement: PEX1 is on the minus strand). VCF-style: chr7-92517970-C-G. GRCh37 (hg19) VCF-style: chr7-92147284-C-G.
Other names: c.545G>C, p.Arg182Pro (NM_001282677.2); c.-80G>C (NM_001282678.2); short protein forms R182P.
Identifiers: ClinVar variation 963759 (VCV000963759.9), dbSNP rs199591182, ClinGen allele CA368201317.
Genomic context (GRCh38, chr7:92,517,970, plus strand): 5'-TAACTATGAAGTTTTTTATATTCAGCATCAGCTTTTGAAAATGTATTCTCTTTGGCTCGG[C>G]GTGTCTTTGGCTGAATAAGGAGTTTGGTGTCAGTTTCCAGCCTTCCATAAGAGGCAGCTG-3'
Protein context (NP_000457.1, residues 172-192): DTKLLIQPKT[Arg182Pro]RAKENTFSKA